The following is an entry in ClinVar:

NM_001267550.2(TTN):c.5418G>T (p.Leu1806Phe)

Gene: TTN (titin; minus strand). Cytogenetic location: 2q31.2.
Variant type: single nucleotide variant.
Coding change: c.5418G>T on transcript NM_001267550.2 (MANE Select); coding-DNA position 5418, G replaced by T.
Protein change: p.Leu1806Phe; replaces leucine 1806 with phenylalanine.
Molecular consequence: missense variant.
Genome position (GRCh38, 1-based): chr2:178,776,446, C>A on the plus strand (G>T on the coding strand, the complement: TTN is on the minus strand). VCF-style: chr2-178776446-C-A. GRCh37 (hg19) VCF-style: chr2-179641173-C-A.
Other names: c.5418G>T, p.Leu1806Phe (NM_001256850.1, NM_133379.5, NM_133378.4); c.5280G>T, p.Leu1760Phe (NM_003319.4, NM_133432.3, NM_133437.4); c.5418G>T (NM_001267550.1); short protein forms L1806F, L1760F.
Identifiers: ClinVar variation 47176 (VCV000047176.9), dbSNP rs397517650, ClinGen allele CA140229.
Genomic context (GRCh38, chr2:178,776,446, plus strand): 5'-ACCTTCATGAGCCATTCTCTCTAATTCTTCAATTCTCTGTAAGCCTTTCCTCCCCTCAGG[C>A]AATTGGGATTCTTCCACAAGACTTTTCTCATCTTTAACAATAAGGGTAGCAGATGTGTGA-3'
Protein context (NP_001254479.2, residues 1796-1816): DEKSLVEESQ[Leu1806Phe]PEGRKGLQRI

ClinVar aggregate classification (germline): Uncertain significance. Review status: criteria provided, multiple submitters, no conflicts (2 of 4 stars). 3 submissions from 3 submitters: Uncertain significance (3). Last evaluated 2023-03-29.

Allele frequency attached by ClinVar (database versions not stated): gnomAD 0.00001; gnomAD exomes 0.00001.
gnomAD v4.1: 12 of 1,609,010 alleles (0.00075%); highest among the groups gnomAD compares: African/African-American, 0.0027%; no homozygotes.

Submissions (3):

Revvity Omics, Revvity
Classification: Uncertain significance. Last evaluated: 2023-03-29. Review status: criteria provided, single submitter. Criteria: ACMG Guidelines, 2015. Collection method: clinical testing. Allele origin: germline.

GeneDx
Classification: Uncertain significance. Last evaluated: 2021-06-16. Review status: criteria provided, single submitter. Criteria: GeneDx Variant Classification Process June 2021. Collection method: clinical testing. Allele origin: germline. Affected: yes.
Comment: Has not been previously published as pathogenic or benign to our knowledge; Not observed at significant frequency in large population cohorts (Lek et al., 2016); Missense variant in a gene in which most reported pathogenic variants are truncating/loss-of-function; Reported in ClinVar but additional evidence is not available (ClinVar Variant ID# 47176; Landrum et al., 2016)

Laboratory for Molecular Medicine, Mass General Brigham Personalized Medicine
Classification: Uncertain significance. Last evaluated: 2013-01-28. Review status: criteria provided, single submitter. Criteria: LMM Criteria. Collection method: clinical testing. Allele origin: germline. Observed: 1 variant allele.
Comment: The Leu1806Phe variant in TTN has not been reported in the literature nor previo usly identified by our laboratory. This variant has also not been identified in large and broad European American and African American populations by the NHLBI Exome Sequencing Project, though it may be co mmon in other populations. Computational analyses (biochemical amino acid proper ties, conservation, AlignGVGD, PolyPhen2, and SIFT) do not provide strong suppor t for or against an impact to the protein. Additional information is needed to f ully assess the clinical significance of this variant.